The following is an entry in ClinVar:

ClinVar aggregate classification (germline): Uncertain significance (1 of 4 stars; one submission).

Conditions:
Inborn genetic diseases. Identifiers: MedGen C0950123, MeSH D030342.

gnomAD v4.1: 6 of 1,614,102 alleles (0.00037%); highest among the groups gnomAD compares: Non-Finnish European, 0.00051%; no homozygotes.

Submission:

Ambry Genetics
Classification: Uncertain significance for Inborn genetic diseases. Last evaluated: 2026-05-19. Review status: criteria provided, single submitter. Criteria: Ambry Variant Classification Scheme 2023. Collection method: clinical testing. Allele origin: germline.
Comment: The c.704A>G (p.E235G) alteration is located in exon 5 (coding exon 5) of the MED13 gene. This alteration results from a A to G substitution at nucleotide position 704, causing the glutamic acid (E) at amino acid position 235 to be replaced by a glycine (G). Based on data from gnomAD, the G allele has an overall frequency of <0.001% (1/249400) total alleles studied. The highest observed frequency was 0.001% (1/113144) of European (non-Finnish) alleles. Based on insufficient or conflicting evidence, the clinical significance of this alteration remains unclear.

NM_005121.3(MED13):c.704A>G (p.Glu235Gly)

Gene: MED13 (mediator complex subunit 13; minus strand). Cytogenetic location: 17q23.2.
Variant type: single nucleotide variant.
Coding change: c.704A>G on transcript NM_005121.3 (MANE Select); coding-DNA position 704, A replaced by G.
Protein change: p.Glu235Gly; replaces glutamic acid 235 with glycine.
Molecular consequence: missense variant.
Genome position (GRCh38, 1-based): chr17:62,033,897, T>C on the plus strand (A>G on the coding strand, the complement: MED13 is on the minus strand). VCF-style: chr17-62033897-T-C. GRCh37 (hg19) VCF-style: chr17-60111258-T-C.
Other names: short protein forms E235G.
Identifiers: ClinVar variation 4859852 (VCV004859852.1).